The following is an entry in ClinVar:

ClinVar aggregate classification (germline): Uncertain significance. Review status: criteria provided, multiple submitters, no conflicts (2 of 4 stars). 3 submissions from 3 submitters: Uncertain significance (3). Last evaluated 2023-07-20.

Conditions:
Cardiomyopathy (CMYO). Also called: Cardiomyopathies. Identifiers: Orphanet 167848, MedGen C0878544, MONDO:0004994, HP:0001638. Inheritance: Various modes of inheritance.
Cardiovascular phenotype. Identifiers: MedGen CN230736.

Submissions (3):

Color Diagnostics, LLC DBA Color Health
Classification: Uncertain significance for Cardiomyopathy. Last evaluated: 2023-07-20. Review status: criteria provided, single submitter. Criteria: ACMG Guidelines, 2015. Collection method: clinical testing. Allele origin: germline.
Comment: This missense variant replaces leucine with phenylalanine at codon 549 of the PKP2 protein. Computational prediction suggests that this variant may not impact protein structure and function (internally defined REVEL score threshold <= 0.5, PMID: 27666373). To our knowledge, functional studies have not been reported for this variant. This variant has not been reported in individuals affected with PKP2-related disorders in the literature. This variant has not been identified in the general population by the Genome Aggregation Database (gnomAD). The available evidence is insufficient to determine the role of this variant in disease conclusively. Therefore, this variant is classified as a Variant of Uncertain Significance.

Blueprint Genetics
Classification: Uncertain significance. Last evaluated: 2022-12-16. Review status: criteria provided, single submitter. Criteria: ACMG Guidelines, 2015. Collection method: clinical testing. Allele origin: germline.

Ambry Genetics
Classification: Uncertain significance for Cardiovascular phenotype. Last evaluated: 2022-05-20. Review status: criteria provided, single submitter. Criteria: Ambry Variant Classification Scheme 2023. Collection method: clinical testing. Allele origin: germline.
Comment: The p.L549F variant (also known as c.1647G>T), located in coding exon 7 of the PKP2 gene, results from a G to T substitution at nucleotide position 1647. The leucine at codon 549 is replaced by phenylalanine, an amino acid with highly similar properties. This amino acid position is conserved. In addition, this alteration is predicted to be tolerated by in silico analysis. Since supporting evidence is limited at this time, the clinical significance of this alteration remains unclear.

NM_001005242.3(PKP2):c.1515G>T (p.Leu505Phe)

Gene: PKP2 (plakophilin 2; minus strand). Cytogenetic location: 12p11.21.
Variant type: single nucleotide variant.
Coding change: c.1515G>T on transcript NM_001005242.3 (MANE Select); coding-DNA position 1515, G replaced by T.
Protein change: p.Leu505Phe; replaces leucine 505 with phenylalanine.
Molecular consequence: missense variant.
Genome position (GRCh38, 1-based): chr12:32,841,069, C>A on the plus strand (G>T on the coding strand, the complement: PKP2 is on the minus strand). VCF-style: chr12-32841069-C-A. GRCh37 (hg19) VCF-style: chr12-32994003-C-A.
Other names: c.1515G>T, p.Leu505Phe (NM_001407155.1, NM_001407156.1, NM_001407161.1); c.1647G>T, p.Leu549Phe (NM_001407157.1, NM_004572.4); c.1188G>T, p.Leu396Phe (NM_001407158.1, NM_001407159.1, NM_001407160.1 and 1 more transcripts); short protein forms L396F, L549F, L505F.
Identifiers: ClinVar variation 1777172 (VCV001777172.5), dbSNP rs148533214, ClinGen allele CA235249077.